The following is an entry in ClinVar:

ClinVar aggregate classification (germline): Likely benign. Review status: criteria provided, multiple submitters, no conflicts (2 of 4 stars). 3 submissions from 3 submitters: Likely benign (3). Last evaluated 2025-10-07.

Conditions:
RYR1-related disorder. Also called: RYR1-related condition; RYR1-related disorders. Identifiers: MedGen CN239331.
Malignant hyperthermia, susceptibility to, 1 (MHS1). Also called: Anesthesia related hyperthermia; Malignant hyperpyrexia; Fulminating hyperpyrexia; Pharmacogenic myopathy; RYR1-Related Malignant Hyperthermia Susceptibility; Malignant hyperthermia suceptibility 1. Identifiers: Orphanet 423, MedGen C2930980, MONDO:0007783, OMIM 145600.

Allele frequency attached by ClinVar (database versions not stated): ExAC 0.00001; gnomAD exomes 0.00001 and 0.00002; gnomAD 0.00006; TOPMed 0.00007.
gnomAD v4.1: 24 of 1,613,942 alleles (0.0015%); highest among the groups gnomAD compares: African/African-American, 0.027%; no homozygotes.

Submissions (3):

Labcorp Genetics (formerly Invitae), Labcorp
Classification: Likely benign for RYR1-related disorder. Last evaluated: 2025-10-07. Review status: criteria provided, single submitter. Criteria: Invitae Variant Classification Sherloc (09022015). Collection method: clinical testing. Allele origin: germline.

Color Diagnostics, LLC DBA Color Health
Classification: Likely benign for Malignant hyperthermia, susceptibility to, 1. Last evaluated: 2022-12-12. Review status: criteria provided, single submitter. Criteria: ACMG Guidelines, 2015. Collection method: clinical testing. Allele origin: germline.

GeneDx
Classification: Likely benign. Last evaluated: 2017-07-20. Review status: criteria provided, single submitter. Criteria: GeneDx Variant Classification (06012015). Collection method: clinical testing. Allele origin: germline. Affected: yes.
Comment: This variant is considered likely benign or benign based on one or more of the following criteria: it is a conservative change, it occurs at a poorly conserved position in the protein, it is predicted to be benign by multiple in silico algorithms, and/or has population frequency not consistent with disease.

NM_000540.3(RYR1):c.6128-14T>C

Gene: RYR1 (ryanodine receptor 1; plus strand). Cytogenetic location: 19q13.2.
Variant type: single nucleotide variant.
Coding change: c.6128-14T>C on transcript NM_000540.3 (MANE Select); 14 bases into the intron before coding-DNA position 6128, T replaced by C.
Molecular consequence: intron variant.
Genome position (GRCh38, 1-based): chr19:38,492,476, T>C. VCF-style: chr19-38492476-T-C. GRCh37 (hg19) VCF-style: chr19-38983116-T-C.
Other names: c.6128-14T>C (NM_001042723.2).
Identifiers: ClinVar variation 510957 (VCV000510957.8), dbSNP rs745995901, ClinGen allele CA067787.